The following is an entry in ClinVar:

NM_000501.4(ELN):c.1097-1G>A

Gene: ELN (elastin; plus strand). Cytogenetic location: 7q11.23.
Variant type: single nucleotide variant.
Coding change: c.1097-1G>A on transcript NM_000501.4 (MANE Select); the canonical splice acceptor site of the intron before coding-DNA position 1097, G replaced by A.
Molecular consequence: splice acceptor variant.
Genome position (GRCh38, 1-based): chr7:74,054,715, G>A. VCF-style: chr7-74054715-G-A. GRCh37 (hg19) VCF-style: chr7-73469045-G-A.
Other names: c.1112-1G>A (NM_001081754.3, NM_001081753.3); c.1097-1G>A (NM_001278939.2, NM_001278915.2, NM_001278912.2 and 1 more transcripts); c.1055-1G>A (NM_001278916.2); c.989-1G>A (NM_001278913.2); c.1082-1G>A (NM_001278914.2); c.1067-1G>A (NM_001278917.2, NM_001081752.3); c.965-1G>A (NM_001278918.2).
Identifiers: ClinVar variation 163389 (VCV000163389.4), dbSNP rs727503029, ClinGen allele CA281473.

ClinVar aggregate classification (germline): Pathogenic (1 of 4 stars; one submission).

Conditions:
Supravalvar aortic stenosis (SVAS). Also called: Supravalvar aortic stenosis, Eisenberg type. Identifiers: Orphanet 3193, MedGen C0003499, MONDO:0008504, OMIM 185500, HP:0004381.

Submission:

Laboratory for Molecular Medicine, Mass General Brigham Personalized Medicine
Classification: Pathogenic for Supravalvular aortic stenosis. Last evaluated: 2013-11-29. Review status: criteria provided, single submitter. Criteria: LMM Criteria. Collection method: clinical testing. Allele origin: germline. Inheritance: Autosomal dominant inheritance. Observed: 1 variant allele.
Comment: The 1097-1G>A variant in ELN has not been reported in individuals with SVAS or i n large population studies. This variant occurs in the invariant region (+/- 1,2 ) of the splice consensus sequence and is predicted to cause altered splicing le ading to an abnormal or absent protein. Splice site alterations in ELN are an es tablished cause of SVAS (Human Gene Mutation Database, HGMD). In summary, the 10 97-1G>A variant meets our criteria for pathogenicity (lmm) based on the predicted impact of the variant.